The following is an entry in ClinVar:

NM_001278116.2(L1CAM):c.1780del (p.Ser594fs)

Gene: L1CAM (L1 cell adhesion molecule; minus strand). Cytogenetic location: Xq28.
Variant type: Deletion.
Coding change: c.1780del on transcript NM_001278116.2 (MANE Select); coding-DNA position 1780, one base deleted (A; older notation c.1780delA).
Protein change: p.Ser594fs; shifts the reading frame from serine 594.
Molecular consequence: frameshift variant.
Genome position (GRCh38, 1-based): chrX:153,868,046, T deleted on the plus strand (A on the coding strand, the reverse complement: L1CAM is on the minus strand). VCF-style (leftmost placement, unchanged base first): chrX-153868045-CT-C. GRCh37 (hg19) VCF-style: chrX-153133500-CT-C.
Other names: c.1780del, p.Ser594fs (NM_000425.5, NM_024003.3); c.1765del, p.Ser589fs (NM_001143963.2); c.1780delA (NM_000425.3); short protein forms S594fs, S589fs.
Identifiers: ClinVar variation 449365 (VCV000449365.3), dbSNP rs1557091629, ClinGen allele CA658659080.

ClinVar aggregate classification (germline): Pathogenic (1 of 4 stars; one submission).

Submission:

GeneDx
Classification: Pathogenic. Last evaluated: 2020-01-10. Review status: criteria provided, single submitter. Criteria: GeneDx Variant Classification Process June 2021. Collection method: clinical testing. Allele origin: germline. Affected: yes.
Comment: Observed in a patient with X-linked hydrocephalus in the published literature (Fransen et al., 1996); Frameshift variant predicted to result in protein truncation or nonsense mediated decay in a gene for which loss-of-function is a known mechanism of disease; Not observed in large population cohorts (Lek et al., 2016); This variant is associated with the following publications: (PMID: 8826452, 11438988)